The following is an entry in ClinVar:

NM_182978.4(GNAL):c.505A>G (p.Thr169Ala)

Gene: GNAL (G protein subunit alpha L; plus strand). Cytogenetic location: 18p11.21.
Variant type: single nucleotide variant.
Coding change: c.505A>G on transcript NM_182978.4 (MANE Select); coding-DNA position 505, A replaced by G.
Protein change: p.Thr169Ala; replaces threonine 169 with alanine.
Molecular consequence: missense variant.
Genome position (GRCh38, 1-based): chr18:11,753,826, A>G. VCF-style: chr18-11753826-A-G. GRCh37 (hg19) VCF-style: chr18-11753825-A-G.
Other names: c.274A>G, p.Thr92Ala (NM_001142339.3, NM_001261443.2, NM_001369387.1); short protein forms T169A, T92A.
Identifiers: ClinVar variation 964753 (VCV000964753.46), dbSNP rs371094261, ClinGen allele CA8893916.

ClinVar aggregate classification (germline): Conflicting classifications of pathogenicity. Review status: criteria provided, conflicting classifications (1 of 4 stars). 3 submissions from 3 submitters: Uncertain significance (1); Likely benign (1). 1 of the submissions does not count toward it. Last evaluated 2026-01-05.

Conditions:
GNAL-related disorder. Also called: GNAL-related condition.
Dystonic disorder. Also called: Dystonia. Identifiers: MedGen C0013421, MONDO:0003441, HP:0001332.

Allele frequency attached by ClinVar (database versions not stated): gnomAD exomes 0.00002 and 0.00007; gnomAD 0.00003 and 0.00005; ExAC 0.00006; TOPMed 0.00008.
gnomAD v4.1: 102 of 1,607,466 alleles (0.0063%); highest among the groups gnomAD compares: East Asian, 0.056%; 2 homozygotes.

Submissions (3):

Labcorp Genetics (formerly Invitae), Labcorp
Classification: Uncertain significance for Dystonic disorder. Last evaluated: 2026-01-05. Review status: criteria provided, single submitter. Criteria: Invitae Variant Classification Sherloc (09022015). Collection method: clinical testing. Allele origin: germline.
Comment: This sequence change replaces threonine, which is neutral and polar, with alanine, which is neutral and non-polar, at codon 92 of the GNAL protein (p.Thr92Ala). This variant is present in population databases (rs371094261, gnomAD 0.05%), and has an allele count higher than expected for a pathogenic variant. This missense change has been observed in individuals with clinical features of dystonia (PMID: 24535567). ClinVar contains an entry for this variant (Variation ID: 964753). An algorithm developed to predict the effect of missense changes on protein structure and function (PolyPhen-2) suggests that this variant is likely to be tolerated. In summary, the available evidence is currently insufficient to determine the role of this variant in disease. Therefore, it has been classified as a Variant of Uncertain Significance.

CeGaT Center for Human Genetics Tuebingen
Classification: Likely benign. Last evaluated: 2021-01-01. Review status: criteria provided, single submitter. Criteria: CeGaT Center For Human Genetics Tuebingen Variant Classification Criteria Version 2. Collection method: clinical testing. Allele origin: germline. Affected: yes. Observed: 1 variant allele.

PreventionGenetics, part of Exact Sciences
Classification: Likely benign for GNAL-related condition. Last evaluated: 2023-04-27. Review status: no assertion criteria provided. Collection method: clinical testing. Allele origin: germline. Not counted in ClinVar's aggregate classification.
Comment: This variant is classified as likely benign based on ACMG/AMP sequence variant interpretation guidelines (Richards et al. 2015 PMID: 25741868, with internal and published modifications).

Literature cited by the submitters: PubMed 24535567 (cited by Labcorp Genetics (formerly Invitae), Labcorp).